The following is an entry in ClinVar:

ClinVar aggregate classification (germline): Uncertain significance (1 of 4 stars; one submission).

Conditions:
Duchenne muscular dystrophy (DMD). Also called: MUSCULAR DYSTROPHY, PSEUDOHYPERTROPHIC PROGRESSIVE, DUCHENNE TYPE; Duchenne Muscular Dystrophy (DMD). Identifiers: Orphanet 98896, MedGen C0013264, MONDO:0010679, OMIM 310200.

Submission:

Labcorp Genetics (formerly Invitae), Labcorp
Classification: Uncertain significance for Duchenne muscular dystrophy. Last evaluated: 2025-02-07. Review status: criteria provided, single submitter. Criteria: Invitae Variant Classification Sherloc (09022015). Collection method: clinical testing. Allele origin: germline.
Comment: This sequence change replaces histidine, which is basic and polar, with proline, which is neutral and non-polar, at codon 3051 of the DMD protein (p.His3051Pro). This variant is not present in population databases (gnomAD no frequency). This variant has not been reported in the literature in individuals affected with DMD-related conditions. Invitae Evidence Modeling of protein sequence and biophysical properties (such as structural, functional, and spatial information, amino acid conservation, physicochemical variation, residue mobility, and thermodynamic stability) indicates that this missense variant is not expected to disrupt DMD protein function with a negative predictive value of 95%. In summary, the available evidence is currently insufficient to determine the role of this variant in disease. Therefore, it has been classified as a Variant of Uncertain Significance.

NM_004006.3(DMD):c.9152A>C (p.His3051Pro)

Gene: DMD (dystrophin; minus strand). Cytogenetic location: Xp21.2.
Variant type: single nucleotide variant.
Coding change: c.9152A>C on transcript NM_004006.3 (MANE Select); coding-DNA position 9152, A replaced by C.
Protein change: p.His3051Pro; replaces histidine 3051 with proline.
Molecular consequence: missense variant.
Genome position (GRCh38, 1-based): chrX:31,348,567, T>G on the plus strand (A>C on the coding strand, the complement: DMD is on the minus strand). VCF-style: chrX-31348567-T-G. GRCh37 (hg19) VCF-style: chrX-31366684-T-G.
Other names: c.9128A>C, p.His3043Pro (NM_000109.4); c.9140A>C, p.His3047Pro (NM_004009.3); c.8783A>C, p.His2928Pro (NM_004010.3); c.5129A>C, p.His1710Pro (NM_004011.4); c.5120A>C, p.His1707Pro (NM_004012.4); c.1772A>C, p.His591Pro (NM_004013.3, NM_004020.4, NM_004021.3 and 2 more transcripts); c.965A>C, p.His322Pro (NM_004014.3); short protein forms H1707P, H3047P, H322P, H2928P, H3043P, H591P, H1710P, H3051P.
Identifiers: ClinVar variation 4701325 (VCV004701325.1).